The following is an entry in ClinVar:

NM_006231.4(POLE):c.1123C>T (p.Arg375Trp)

Gene: POLE (DNA polymerase epsilon, catalytic subunit; minus strand). Cytogenetic location: 12q24.33.
Variant type: single nucleotide variant.
Coding change: c.1123C>T on transcript NM_006231.4 (MANE Select); coding-DNA position 1123, C replaced by T.
Protein change: p.Arg375Trp; replaces arginine 375 with tryptophan.
Molecular consequence: missense variant.
Genome position (GRCh38, 1-based): chr12:132,675,501, G>A on the plus strand (C>T on the coding strand, the complement: POLE is on the minus strand). VCF-style: chr12-132675501-G-A. GRCh37 (hg19) VCF-style: chr12-133252087-G-A.
Other names: short protein forms R375W.
Identifiers: ClinVar variation 569231 (VCV000569231.16), dbSNP rs556789278, ClinGen allele CA6894065.

ClinVar aggregate classification (germline): Uncertain significance. Review status: criteria provided, multiple submitters, no conflicts (2 of 4 stars). 5 submissions from 5 submitters: Uncertain significance (5). Last evaluated 2025-09-23.

Conditions:
Colorectal cancer, susceptibility to, 12 (CRCS12). Also called: COLORECTAL CANCER, SUSCEPTIBILITY TO, ON CHROMOSOME 12q24. Identifiers: Orphanet 220460, MedGen C3554460, MONDO:0014038, OMIM 615083.
Hereditary cancer-predisposing syndrome. Also called: Hereditary neoplastic syndrome; Hereditary Cancer Syndrome; Neoplastic Syndromes, Hereditary; Tumor predisposition. Identifiers: Orphanet 140162, MedGen C0027672, MeSH D009386, MONDO:0015356.

Allele frequency attached by ClinVar (database versions not stated): ExAC 0.00001; gnomAD 0.00001; 1000 Genomes Project 30x 0.00016; 1000 Genomes Project 0.00020; gnomAD exomes below 0.00001.
gnomAD v4.1: 4 of 1,614,064 alleles (0.00025%); highest among the groups gnomAD compares: African/African-American, 0.0013%; no homozygotes.

Submissions (5):

Ambry Genetics
Classification: Uncertain significance for Hereditary cancer-predisposing syndrome. Last evaluated: 2025-09-23. Review status: criteria provided, single submitter. Criteria: Ambry Variant Classification Scheme 2023. Collection method: clinical testing. Allele origin: germline.
Comment: The p.R375W variant (also known as c.1123C>T), located in coding exon 12 of the POLE gene, results from a C to T substitution at nucleotide position 1123. The arginine at codon 375 is replaced by tryptophan, an amino acid with dissimilar properties. This amino acid position is highly conserved in available vertebrate species. In addition, this alteration is predicted to be deleterious by in silico analysis. Since supporting evidence is limited at this time, the clinical significance of this alteration remains unclear.

Labcorp Genetics (formerly Invitae), Labcorp
Classification: Uncertain significance. Last evaluated: 2025-01-22. Review status: criteria provided, single submitter. Criteria: Invitae Variant Classification Sherloc (09022015). Collection method: clinical testing. Allele origin: germline.
Comment: This sequence change replaces arginine, which is basic and polar, with tryptophan, which is neutral and slightly polar, at codon 375 of the POLE protein (p.Arg375Trp). This variant is present in population databases (rs556789278, gnomAD 0.007%). This missense change has been observed in individual(s) with gastric cancer (PMID: 36627197). ClinVar contains an entry for this variant (Variation ID: 569231). Invitae Evidence Modeling of protein sequence and biophysical properties (such as structural, functional, and spatial information, amino acid conservation, physicochemical variation, residue mobility, and thermodynamic stability) indicates that this missense variant is expected to disrupt POLE protein function with a positive predictive value of 80%. In summary, the available evidence is currently insufficient to determine the role of this variant in disease. Therefore, it has been classified as a Variant of Uncertain Significance.

Blueprint Genetics
Classification: Uncertain significance. Last evaluated: 2024-05-23. Review status: criteria provided, single submitter. Criteria: ACMG Guidelines, 2015. Collection method: clinical testing. Allele origin: germline.

Baylor Genetics
Classification: Uncertain significance for Colorectal cancer, susceptibility to, 12. Last evaluated: 2024-02-16. Review status: criteria provided, single submitter. Criteria: ACMG Guidelines, 2015. Collection method: clinical testing. Allele origin: unknown.

Breakthrough Genomics
Classification: Uncertain significance. Review status: criteria provided, single submitter. Criteria: ACMG Guidelines, 2015. Collection method: not provided. Allele origin: germline. Inheritance: Autosomal recessive inheritance. Affected: yes.

Literature cited by the submitters: PubMed 36627197 (cited by Labcorp Genetics (formerly Invitae), Labcorp).